The following is an entry in ClinVar:

NC_000005.9:g.(?_13820435)_(13820628_?)del

Gene: DNAH5 (dynein axonemal heavy chain 5; minus strand). Cytogenetic location: 5p15.2.
Variant type: Deletion.
Identifiers: ClinVar variation 3246252 (VCV003246252.1).

ClinVar aggregate classification (germline): Pathogenic (1 of 4 stars; one submission).

Conditions:
Primary ciliary dyskinesia. Also called: Ciliary dyskinesia. Identifiers: Orphanet 244, MedGen C0008780, MONDO:0016575, HP:0012265.

Submission:

Labcorp Genetics (formerly Invitae), Labcorp
Classification: Pathogenic for Primary ciliary dyskinesia. Last evaluated: 2023-04-07. Review status: criteria provided, single submitter. Criteria: Invitae Variant Classification Sherloc (09022015). Collection method: clinical testing. Allele origin: unknown.
Comment: This variant is a gross deletion of the genomic region encompassing exon(s) 41 of the DNAH5 gene. This deletion is out-of-frame, and is expected to create a premature termination codon and result in an absent or disrupted protein product. Loss-of-function variants in DNAH5 are known to be pathogenic (PMID: 11788826, 16627867). This variant has not been reported in the literature in individuals affected with DNAH5-related conditions. For these reasons, this variant has been classified as Pathogenic.

Literature cited by the submitters: PubMed 11788826; PubMed 16627867.